The following is an entry in ClinVar:

NM_138387.4(G6PC3):c.988T>G (p.Trp330Gly)

Gene: G6PC3 (glucose-6-phosphatase catalytic subunit 3; plus strand). Cytogenetic location: 17q21.31.
Variant type: single nucleotide variant.
Coding change: c.988T>G on transcript NM_138387.4 (MANE Select); coding-DNA position 988, T replaced by G.
Protein change: p.Trp330Gly; replaces tryptophan 330 with glycine.
Molecular consequence: missense variant. On other transcripts: 3 prime UTR variant (1).
Genome position (GRCh38, 1-based): chr17:44,075,990, T>G. VCF-style: chr17-44075990-T-G. GRCh37 (hg19) VCF-style: chr17-42153358-T-G.
Other names: c.643T>G, p.Trp215Gly (NM_001384166.1, NM_001384167.1, NM_001384168.1 and 1 more transcripts); c.*281T>G (NM_001319945.2); short protein forms W215G, W330G.
Identifiers: ClinVar variation 4827626 (VCV004827626.1).
Genomic context (GRCh38, chr17:44,075,990, plus strand): 5'-TACATTTTCAATTTCCTCAAGTACACCCTCTGGCCATGCCTAGTCCTGGCCCTCGTGCCC[T>G]GGGCAGTGCACATGTTCAGTGCCCAGGAAGCACCGCCCATCCACTCTTCCTGACTTCTTG-3'
Protein context (NP_612396.1, residues 320-340): WPCLVLALVP[Trp330Gly]AVHMFSAQEA

ClinVar aggregate classification (germline): Uncertain significance (1 of 4 stars; one submission).

Conditions:
Inborn genetic diseases. Identifiers: MedGen C0950123, MeSH D030342.

Submission:

Ambry Genetics
Classification: Uncertain significance for Inborn genetic diseases. Last evaluated: 2026-03-12. Review status: criteria provided, single submitter. Criteria: Ambry Variant Classification Scheme 2023. Collection method: clinical testing. Allele origin: germline.
Comment: The p.W330G variant (also known as c.988T>G), located in coding exon 6 of the G6PC3 gene, results from a T to G substitution at nucleotide position 988. The tryptophan at codon 330 is replaced by glycine, an amino acid with highly dissimilar properties. This amino acid position is conserved. In addition, this alteration is predicted to be tolerated by in silico analysis. Based on the available evidence, the clinical significance of this variant remains unclear.